The following is an entry in ClinVar:

ClinVar aggregate classification (germline): Conflicting classifications of pathogenicity. Review status: criteria provided, conflicting classifications (1 of 4 stars). 4 submissions from 4 submitters: Uncertain significance (2); Likely benign (2). Last evaluated 2025-10-12.

Conditions:
DSPP-related disorder. Also called: DSPP-related condition.
Inborn genetic diseases. Identifiers: MedGen C0950123, MeSH D030342.

Allele frequency attached by ClinVar (database versions not stated): TOPMed 0.00013; gnomAD 0.00014 and 0.00015; gnomAD exomes 0.00022; ExAC 0.00025; ESP Exome Variant Server 0.00032.
gnomAD v4.1: 347 of 1,614,050 alleles (0.021%); highest among the groups gnomAD compares: Non-Finnish European, 0.024%; no homozygotes.

Submissions (4):

PreventionGenetics, part of Exact Sciences
Classification: Likely benign for DSPP-related condition. Last evaluated: 2025-10-12. Review status: criteria provided, single submitter. Criteria: ACMG Guidelines, 2015. Collection method: clinical testing. Allele origin: germline.
Comment: This variant is classified as likely benign based on ACMG/AMP sequence variant interpretation guidelines (Richards et al. 2015 PMID: 25741868, with internal and published modifications).

Labcorp Genetics (formerly Invitae), Labcorp
Classification: Uncertain significance. Last evaluated: 2024-07-03. Review status: criteria provided, single submitter. Criteria: Invitae Variant Classification Sherloc (09022015). Collection method: clinical testing. Allele origin: germline.
Comment: This sequence change replaces glycine, which is neutral and non-polar, with aspartic acid, which is acidic and polar, at codon 238 of the DSPP protein (p.Gly238Asp). This variant is present in population databases (rs199593367, gnomAD 0.07%), and has an allele count higher than expected for a pathogenic variant. This variant has not been reported in the literature in individuals affected with DSPP-related conditions. ClinVar contains an entry for this variant (Variation ID: 1213469). An algorithm developed to predict the effect of missense changes on protein structure and function (PolyPhen-2) suggests that this variant is likely to be disruptive. In summary, the available evidence is currently insufficient to determine the role of this variant in disease. Therefore, it has been classified as a Variant of Uncertain Significance.

Ambry Genetics
Classification: Uncertain significance for Inborn genetic diseases. Last evaluated: 2023-01-26. Review status: criteria provided, single submitter. Criteria: Ambry Variant Classification Scheme 2023. Collection method: clinical testing. Allele origin: germline.

GeneDx
Classification: Likely benign. Last evaluated: 2021-06-14. Review status: criteria provided, single submitter. Criteria: GeneDx Variant Classification Process June 2021. Collection method: clinical testing. Allele origin: germline. Affected: yes.
Comment: In silico analysis, which includes protein predictors and evolutionary conservation, supports that this variant does not alter protein structure/function; Has not been previously published as pathogenic or benign to our knowledge

NM_014208.3(DSPP):c.713G>A (p.Gly238Asp)

Genes: DMP1-AS1 (DMP1 and DSPP antisense RNA 1; minus strand), DSPP (dentin sialophosphoprotein; plus strand). Cytogenetic location: 4q22.1.
Variant type: single nucleotide variant.
Coding change: c.713G>A on transcript NM_014208.3 (MANE Select); coding-DNA position 713, G replaced by A.
Protein change: p.Gly238Asp; replaces glycine 238 with aspartic acid.
Molecular consequence: missense variant.
Genome position (GRCh38, 1-based): chr4:87,612,899, G>A. VCF-style: chr4-87612899-G-A. GRCh37 (hg19) VCF-style: chr4-88534051-G-A.
Other names: short protein forms G238D.
Identifiers: ClinVar variation 1213469 (VCV001213469.12), dbSNP rs199593367, ClinGen allele CA3000941.